The following is an entry in ClinVar:

NM_206933.4(USH2A):c.649C>T (p.Gln217Ter)

Gene: USH2A (usherin; minus strand). Cytogenetic location: 1q41.
Variant type: single nucleotide variant.
Coding change: c.649C>T on transcript NM_206933.4 (MANE Select); coding-DNA position 649, C replaced by T.
Protein change: p.Gln217Ter; replaces glutamine 217 with a stop codon.
Molecular consequence: nonsense.
Genome position (GRCh38, 1-based): chr1:216,418,516, G>A on the plus strand (C>T on the coding strand, the complement: USH2A is on the minus strand). VCF-style: chr1-216418516-G-A. GRCh37 (hg19) VCF-style: chr1-216591858-G-A.
Other names: c.649C>T, p.Gln217Ter (NM_007123.6); short protein forms Q217*.
Identifiers: ClinVar variation 2000914 (VCV002000914.5), dbSNP rs2527645998, ClinGen allele CA344902141.

ClinVar aggregate classification (germline): Pathogenic/Likely pathogenic. Review status: criteria provided, multiple submitters, no conflicts (2 of 4 stars). 2 submissions from 2 submitters: Pathogenic (1); Likely pathogenic (1). Last evaluated 2022-11-11.

Conditions:
USH2A-related disorder. Also called: USH2A-related condition; USH2A-related disorders. Identifiers: MedGen CN239332.

Allele frequency attached by ClinVar (database versions not stated): gnomAD exomes below 0.00001.
gnomAD v4.1: 2 of 1,612,744 alleles (0.00012%); highest among the groups gnomAD compares: Non-Finnish European, 0.000085%; no homozygotes.

Submissions (2):

Blueprint Genetics
Classification: Likely pathogenic for USH2A-related disorders. Last evaluated: 2022-11-11. Review status: criteria provided, single submitter. Criteria: ACMG Guidelines, 2015. Collection method: clinical testing. Allele origin: germline. Affected: yes. Observed: 1 variant allele.

Labcorp Genetics (formerly Invitae), Labcorp
Classification: Pathogenic. Last evaluated: 2022-05-30. Review status: criteria provided, single submitter. Criteria: Invitae Variant Classification Sherloc (09022015). Collection method: clinical testing. Allele origin: germline.
Comment: This sequence change creates a premature translational stop signal (p.Gln217*) in the USH2A gene. It is expected to result in an absent or disrupted protein product. Loss-of-function variants in USH2A are known to be pathogenic (PMID: 10729113, 10909849, 20507924, 25649381). This variant is not present in population databases (gnomAD no frequency). This variant has not been reported in the literature in individuals affected with USH2A-related conditions. For these reasons, this variant has been classified as Pathogenic.

Literature cited by the submitters: PubMed 10729113 (cited by Labcorp Genetics (formerly Invitae), Labcorp); PubMed 10909849 (cited by Labcorp Genetics (formerly Invitae), Labcorp); PubMed 20507924 (cited by Labcorp Genetics (formerly Invitae), Labcorp); PubMed 25649381 (cited by Labcorp Genetics (formerly Invitae), Labcorp).